The following is an entry in ClinVar:

NM_000359.3(TGM1):c.335_336del (p.Val112fs)

Gene: TGM1 (transglutaminase 1; minus strand). Cytogenetic location: 14q12.
Variant type: Deletion.
Coding change: c.335_336del on transcript NM_000359.3 (MANE Select); coding-DNA positions 335 to 336, 2 bases deleted (TG; older notation c.335_336delTG).
Protein change: p.Val112fs; shifts the reading frame from valine 112.
Molecular consequence: frameshift variant.
Genome position (GRCh38, 1-based): chr14:24,261,867-24,261,868, CA deleted on the plus strand (TG on the coding strand, the reverse complement: TGM1 is on the minus strand); deleting any 2 consecutive bases within chr14:24,261,867-24,261,869 gives the same sequence; the c. name uses the placement nearest the transcript's 3' end. VCF-style (leftmost placement, unchanged base first): chr14-24261866-TCA-T. GRCh37 (hg19) VCF-style: chr14-24731072-TCA-T.
Other names: short protein forms V112fs.
Identifiers: ClinVar variation 1725640 (VCV001725640.2), dbSNP rs2502508313, ClinGen allele CA2580087993.

ClinVar aggregate classification (germline): Likely pathogenic (1 of 4 stars; one submission).

Conditions:
Autosomal recessive congenital ichthyosis 1 (LI1). Also called: DESQUAMATION OF NEWBORN; ICHTHYOSIS CONGENITA; ICHTHYOSIS CONGENITA II; LAMELLAR EXFOLIATION OF NEWBORN; ICHTHYOSIS, CONGENITAL, AUTOSOMAL RECESSIVE 1, WITH BATHING SUIT DISTRIBUTION; ICHTHYOSIS, CONGENITAL, AUTOSOMAL RECESSIVE 1, WITH OR WITHOUT BATHING SUIT DISTRIBUTION. Identifiers: MedGen C4551630, MONDO:0009441, OMIM 242300.

Submission:

Myriad Genetics, Inc.
Classification: Likely pathogenic for Autosomal recessive congenital ichthyosis 1. Last evaluated: 2022-03-30. Review status: criteria provided, single submitter. Criteria: Myriad Women's Health Autosomal Recessive and X-Linked Classification Criteria (2021). Collection method: clinical testing. Allele origin: unknown.
Comment: NM_000359.2(TGM1):c.335_336delTG(V112Efs*23) is expected to be pathogenic in the context of TGM1-related autosomal recessive congenital ichthyosis. This variant is predicted to lead to an abnormal or absent protein product due to the creation of a premature termination codon in TGM1, a gene where loss-of-function variants are known to be pathogenic. Please note: this variant was assessed in the context of healthy population screening.